The following is an entry in ClinVar:

ClinVar aggregate classification (germline): Likely benign (0 of 4 stars; one submission).

Conditions:
BLK-related disorder. Also called: BLK-related condition.

gnomAD v4.1: 5 of 1,610,966 alleles (0.00031%); highest among the groups gnomAD compares: Non-Finnish European, 0.00025%; no homozygotes.

Submission:

PreventionGenetics, part of Exact Sciences
Classification: Likely benign for BLK-related condition. Last evaluated: 2024-03-13. Review status: no assertion criteria provided. Collection method: clinical testing. Allele origin: germline.
Comment: This variant is classified as likely benign based on ACMG/AMP sequence variant interpretation guidelines (Richards et al. 2015 PMID: 25741868, with internal and published modifications).

NM_001715.3(BLK):c.269+3G>A

Gene: BLK (BLK proto-oncogene, Src family tyrosine kinase). Cytogenetic location: 8p23.1.
Variant type: single nucleotide variant.
Coding change: c.269+3G>A on transcript NM_001715.3 (MANE Select); 3 bases into the intron after coding-DNA position 269, G replaced by A.
Molecular consequence: intron variant.
Genome position (GRCh38, 1-based): chr8:11,548,128, G>A. VCF-style: chr8-11548128-G-A. GRCh37 (hg19) VCF-style: chr8-11405637-G-A.
Other names: c.56+3G>A (NM_001330465.2).
Identifiers: ClinVar variation 3355118 (VCV003355118.1).
Genomic context (GRCh38, chr8:11,548,128, plus strand): 5'-CTATGAATGATCGGGACCTGCAGATGCTGAAGGGGGAGAAGCTACAGGTCCTGAAGGGGT[G>A]AGGTTCCAGGACACCATCCCCTGTCCCTGCAGGACCCCCCTCCCCCACATCTCTCCTTTC-3'